The following is an entry in ClinVar:

NM_000217.3(KCNA1):c.*2308C>G

Gene: KCNA1 (potassium voltage-gated channel subfamily A member 1; plus strand). Cytogenetic location: 12p13.32.
Variant type: single nucleotide variant.
Coding change: c.*2308C>G on transcript NM_000217.3 (MANE Select); 2308 bases downstream of the stop codon, C replaced by G.
Molecular consequence: 3 prime UTR variant.
Genome position (GRCh38, 1-based): chr12:4,915,174, C>G. VCF-style: chr12-4915174-C-G. GRCh37 (hg19) VCF-style: chr12-5024340-C-G.
Identifiers: ClinVar variation 309187 (VCV000309187.7), dbSNP rs114342545, ClinGen allele CA10642527.

ClinVar aggregate classification (germline): Benign/Likely benign. Review status: criteria provided, multiple submitters, no conflicts (2 of 4 stars). 2 submissions from 2 submitters: Benign (1); Likely benign (1). Last evaluated 2021-05-12.

Conditions:
Episodic ataxia type 1 (EA1). Also called: ATAXIA, EPISODIC, WITH MYOKYMIA; MYOKYMIA WITH PERIODIC ATAXIA; PAROXYSMAL ATAXIA WITH NEUROMYOTONIA, HEREDITARY; Episodic ataxia/myokymia syndrome. Identifiers: Orphanet 37612, Orphanet 972, MedGen C1719788, MONDO:0008047, OMIM 160120.

Allele frequency attached by ClinVar (database versions not stated): gnomAD 0.01220 and 0.01314; 1000 Genomes Project 0.01278; gnomAD exomes 0.00007; TOPMed 0.01396; 1000 Genomes Project 30x 0.01468.

Submissions (2):

GeneDx
Classification: Likely benign. Last evaluated: 2021-05-12. Review status: criteria provided, single submitter. Criteria: GeneDx Variant Classification Process June 2021. Collection method: clinical testing. Allele origin: germline. Affected: yes.
Comment: See Variant Classification Assertion Criteria.

Illumina Laboratory Services, Illumina
Classification: Benign for Episodic ataxia type 1. Last evaluated: 2018-01-12. Review status: criteria provided, single submitter. Criteria: ICSL Variant Classification Criteria 13 December 2019. Collection method: clinical testing. Allele origin: germline.
Comment: This variant was observed in the ICSL laboratory as part of a predisposition screen in an ostensibly healthy population. It had not been previously curated by ICSL or reported in the Human Gene Mutation Database (HGMD: prior to June 1st, 2018), and was therefore a candidate for classification through an automated scoring system. Utilizing variant allele frequency, disease prevalence and penetrance estimates, and inheritance mode, an automated score was calculated to assess if this variant is too frequent to cause the disease. Based on the score and internal cut-off values, a variant classified as benign is not then subjected to further curation. The score for this variant resulted in a classification of benign for this disease.